The following is an entry in ClinVar:

NM_000632.4(ITGAM):c.2874C>G (p.Ser958Arg)

Gene: ITGAM (integrin subunit alpha M; plus strand). Cytogenetic location: 16p11.2.
Variant type: single nucleotide variant.
Coding change: c.2874C>G on transcript NM_000632.4 (MANE Select); coding-DNA position 2874, C replaced by G.
Protein change: p.Ser958Arg; replaces serine 958 with arginine.
Molecular consequence: missense variant.
Genome position (GRCh38, 1-based): chr16:31,329,803, C>G. VCF-style: chr16-31329803-C-G. GRCh37 (hg19) VCF-style: chr16-31341124-C-G.
Other names: c.2874C>G (NM_000632.3); c.2877C>G, p.Ser959Arg (NM_001145808.2); short protein forms S958R, S959R.
Identifiers: ClinVar variation 1363620 (VCV001363620.9), dbSNP rs538193323, ClinGen allele CA8026007.

ClinVar aggregate classification (germline): Uncertain significance. Review status: criteria provided, multiple submitters, no conflicts (2 of 4 stars). 2 submissions from 2 submitters: Uncertain significance (2). Last evaluated 2026-02-01.

Allele frequency attached by ClinVar (database versions not stated): gnomAD exomes 0.00001 and 0.00003; ExAC 0.00010; gnomAD 0.00024; TOPMed 0.00028; 1000 Genomes Project 0.00040; 1000 Genomes Project 30x 0.00047.
gnomAD v4.1: 56 of 1,554,134 alleles (0.0036%); highest among the groups gnomAD compares: African/African-American, 0.072%; no homozygotes.

Submissions (2):

Labcorp Genetics (formerly Invitae), Labcorp
Classification: Uncertain significance. Last evaluated: 2026-02-01. Review status: criteria provided, single submitter. Criteria: Invitae Variant Classification Sherloc (09022015). Collection method: clinical testing. Allele origin: germline.
Comment: This sequence change replaces serine, which is neutral and polar, with arginine, which is basic and polar, at codon 958 of the ITGAM protein (p.Ser958Arg). This variant is present in population databases (rs538193323, gnomAD 0.05%). This variant has not been reported in the literature in individuals affected with ITGAM-related conditions. ClinVar contains an entry for this variant (Variation ID: 1363620). An algorithm developed to predict the effect of missense changes on protein structure and function (PolyPhen-2) suggests that this variant is likely to be tolerated. In summary, the available evidence is currently insufficient to determine the role of this variant in disease. Therefore, it has been classified as a Variant of Uncertain Significance.

Ambry Genetics
Classification: Uncertain significance. Last evaluated: 2025-08-31. Review status: criteria provided, single submitter. Criteria: Ambry Variant Classification Scheme 2023. Collection method: clinical testing. Allele origin: germline.